The following is an entry in ClinVar:

ClinVar aggregate classification (germline): Benign (0 of 4 stars; one submission).

Conditions:
UBN2-related disorder. Also called: UBN2-related condition.

Allele frequency attached by ClinVar (database versions not stated): gnomAD exomes 0.00017; ExAC 0.00136; 1000 Genomes Project 0.00200; 1000 Genomes Project 30x 0.00203; ESP Exome Variant Server 0.00208; TOPMed 0.00244; gnomAD 0.00227.
gnomAD v4.1: 583 of 1,538,386 alleles (0.038%); highest among the groups gnomAD compares: African/African-American, 0.71%; 3 homozygotes.

Submission:

PreventionGenetics, part of Exact Sciences
Classification: Benign for UBN2-related condition. Last evaluated: 2019-06-12. Review status: no assertion criteria provided. Collection method: clinical testing. Allele origin: germline.
Comment: This variant is classified as benign based on ACMG/AMP sequence variant interpretation guidelines (Richards et al. 2015 PMID: 25741868, with internal and published modifications).

NM_173569.4(UBN2):c.358C>T (p.Pro120Ser)

Gene: UBN2 (ubinuclein 2; plus strand). Cytogenetic location: 7q34.
Variant type: single nucleotide variant.
Coding change: c.358C>T on transcript NM_173569.4 (MANE Select); coding-DNA position 358, C replaced by T.
Protein change: p.Pro120Ser; replaces proline 120 with serine.
Molecular consequence: missense variant.
Genome position (GRCh38, 1-based): chr7:139,231,842, C>T. VCF-style: chr7-139231842-C-T. GRCh37 (hg19) VCF-style: chr7-138916588-C-T.
Other names: short protein forms P120S.
Identifiers: ClinVar variation 3033481 (VCV003033481.2), dbSNP rs201451027, ClinGen allele CA4508587.